The following is an entry in ClinVar:

NM_001364905.1(LRBA):c.3264G>A (p.Glu1088=)

Gene: LRBA (LPS responsive beige-like anchor protein; minus strand). Cytogenetic location: 4q31.3.
Variant type: single nucleotide variant.
Coding change: c.3264G>A on transcript NM_001364905.1 (MANE Select); coding-DNA position 3264, G replaced by A.
Protein change: p.Glu1088=; no amino-acid change (glutamic acid 1088 retained).
Molecular consequence: synonymous variant.
Genome position (GRCh38, 1-based): chr4:150,852,446, C>T on the plus strand (G>A on the coding strand, the complement: LRBA is on the minus strand). VCF-style: chr4-150852446-C-T. GRCh37 (hg19) VCF-style: chr4-151773598-C-T.
Other names: c.3264G>A, p.Glu1088= (NM_001199282.3, NM_001367550.1, NM_006726.5).
Identifiers: ClinVar variation 2655123 (VCV002655123.26), dbSNP rs2546500935, ClinGen allele CA442003334.

ClinVar aggregate classification (germline): Likely benign. Review status: criteria provided, multiple submitters, no conflicts (2 of 4 stars). 2 submissions from 2 submitters: Likely benign (2). Last evaluated 2024-12-04.

Conditions:
Combined immunodeficiency due to LRBA deficiency. Also called: Common variable immunodeficiency 8, with autoimmunity. Identifiers: Orphanet 445018, MedGen C3553512, MONDO:0013863, OMIM 614700.

gnomAD v4.1: 2 of 1,613,520 alleles (0.00012%); no homozygotes.

Submissions (2):

Labcorp Genetics (formerly Invitae), Labcorp
Classification: Likely benign for Combined immunodeficiency due to LRBA deficiency. Last evaluated: 2024-12-04. Review status: criteria provided, single submitter. Criteria: Invitae Variant Classification Sherloc (09022015). Collection method: clinical testing. Allele origin: germline.

CeGaT Center for Human Genetics Tuebingen
Classification: Likely benign. Last evaluated: 2022-12-01. Review status: criteria provided, single submitter. Criteria: CeGaT Center For Human Genetics Tuebingen Variant Classification Criteria Version 2. Collection method: clinical testing. Allele origin: germline. Affected: yes. Observed: 1 variant allele.
Comment: LRBA: PM2:Supporting, BP4, BP7